The following is an entry in ClinVar:

ClinVar aggregate classification (germline): Uncertain significance. Review status: criteria provided, multiple submitters, no conflicts (2 of 4 stars). 5 submissions from 5 submitters: Uncertain significance (5). Last evaluated 2025-08-20.

Conditions:
Inborn genetic diseases. Identifiers: MedGen C0950123, MeSH D030342.
Cortical dysplasia-focal epilepsy syndrome (PTHSL1). Also called: Pitt-Hopkins-like syndrome 1. Identifiers: Orphanet 163681, Orphanet 221150, MedGen C2750246, MONDO:0012400, OMIM 610042.

Allele frequency attached by ClinVar (database versions not stated): ExAC 0.00004; gnomAD exomes 0.00006; TOPMed 0.00008; gnomAD 0.00009; ESP Exome Variant Server 0.00015.
gnomAD v4.1: 97 of 1,613,950 alleles (0.006%); highest among the groups gnomAD compares: East Asian, 0.018%; no homozygotes.

Submissions (5):

GeneDx
Classification: Uncertain significance. Last evaluated: 2025-08-20. Review status: criteria provided, single submitter. Criteria: GeneDx Variant Classification Process June 2021. Collection method: clinical testing. Allele origin: germline. Affected: yes.
Comment: In silico analysis supports that this missense variant has a deleterious effect on protein structure/function; Has not been previously published as pathogenic or benign to our knowledge

Blueprint Genetics
Classification: Uncertain significance. Last evaluated: 2024-09-10. Review status: criteria provided, single submitter. Criteria: ACMG Guidelines, 2015. Collection method: clinical testing. Allele origin: germline.

Ambry Genetics
Classification: Uncertain significance for Inborn genetic diseases. Last evaluated: 2023-05-26. Review status: criteria provided, single submitter. Criteria: Ambry Variant Classification Scheme 2023. Collection method: clinical testing. Allele origin: germline.

Labcorp Genetics (formerly Invitae), Labcorp
Classification: Uncertain significance for Cortical dysplasia-focal epilepsy syndrome. Last evaluated: 2022-06-03. Review status: criteria provided, single submitter. Criteria: Invitae Variant Classification Sherloc (09022015). Collection method: clinical testing. Allele origin: germline.
Comment: This sequence change replaces arginine, which is basic and polar, with cysteine, which is neutral and slightly polar, at codon 906 of the CNTNAP2 protein (p.Arg906Cys). This variant is present in population databases (rs141617212, gnomAD 0.02%). This variant has not been reported in the literature in individuals affected with CNTNAP2-related conditions. ClinVar contains an entry for this variant (Variation ID: 205315). Algorithms developed to predict the effect of missense changes on protein structure and function (SIFT, PolyPhen-2, Align-GVGD) all suggest that this variant is likely to be disruptive. In summary, the available evidence is currently insufficient to determine the role of this variant in disease. Therefore, it has been classified as a Variant of Uncertain Significance.

Eurofins Ntd Llc (ga)
Classification: Uncertain significance. Last evaluated: 2018-06-11. Review status: criteria provided, single submitter. Criteria: EGL ClinVar v180209 classification definitions. Collection method: clinical testing. Allele origin: germline. Observed: 1 variant allele, 1 heterozygote.

NM_014141.6(CNTNAP2):c.2716C>T (p.Arg906Cys)

Gene: CNTNAP2 (contactin associated protein 2; plus strand). Cytogenetic location: 7q35.
Variant type: single nucleotide variant.
Coding change: c.2716C>T on transcript NM_014141.6 (MANE Select); coding-DNA position 2716, C replaced by T.
Protein change: p.Arg906Cys; replaces arginine 906 with cysteine.
Molecular consequence: missense variant.
Genome position (GRCh38, 1-based): chr7:148,147,652, C>T. VCF-style: chr7-148147652-C-T. GRCh37 (hg19) VCF-style: chr7-147844744-C-T.
Other names: p.R906C:CGC>TGC; short protein forms R906C.
Identifiers: ClinVar variation 205315 (VCV000205315.18), dbSNP rs141617212, ClinGen allele CA314263.
Genomic context (GRCh38, chr7:148,147,652, plus strand): 5'-ACTGCAGAGAGGAATGTCAAGCAGGCCAGCCTACAGGTGGACCGGCTACCGCAGCAGATC[C>T]GCAAGGCCCCAACAGAAGGCCACACCCGCCTGGAGCTCTACAGCCAGTTATTTGTGGGTA-3'
Protein context (NP_054860.1, residues 896-916): LQVDRLPQQI[Arg906Cys]KAPTEGHTRL